The following is an entry in ClinVar:

NM_003737.4(DCHS1):c.221C>A (p.Ala74Asp)

Gene: DCHS1 (dachsous cadherin-related 1; minus strand). Cytogenetic location: 11p15.4.
Variant type: single nucleotide variant.
Coding change: c.221C>A on transcript NM_003737.4 (MANE Select); coding-DNA position 221, C replaced by A.
Protein change: p.Ala74Asp; replaces alanine 74 with aspartic acid.
Molecular consequence: missense variant.
Genome position (GRCh38, 1-based): chr11:6,641,393, G>T on the plus strand (C>A on the coding strand, the complement: DCHS1 is on the minus strand). VCF-style: chr11-6641393-G-T. GRCh37 (hg19) VCF-style: chr11-6662624-G-T.
Other names: short protein forms A74D.
Identifiers: ClinVar variation 4770723 (VCV004770723.1).

ClinVar aggregate classification (germline): Uncertain significance (1 of 4 stars; one submission).

gnomAD v4.1: 12 of 1,612,924 alleles (0.00074%); highest among the groups gnomAD compares: Admixed American, 0.017%; no homozygotes.

Submission:

Labcorp Genetics (formerly Invitae), Labcorp
Classification: Uncertain significance. Last evaluated: 2025-05-27. Review status: criteria provided, single submitter. Criteria: Invitae Variant Classification Sherloc (09022015). Collection method: clinical testing. Allele origin: germline.
Comment: This sequence change replaces alanine, which is neutral and non-polar, with aspartic acid, which is acidic and polar, at codon 74 of the DCHS1 protein (p.Ala74Asp). This variant is present in population databases (no rsID available, gnomAD 0.006%). This variant has not been reported in the literature in individuals affected with DCHS1-related conditions. Invitae Evidence Modeling of protein sequence and biophysical properties (such as structural, functional, and spatial information, amino acid conservation, physicochemical variation, residue mobility, and thermodynamic stability) indicates that this missense variant is not expected to disrupt DCHS1 protein function with a negative predictive value of 95%. In summary, the available evidence is currently insufficient to determine the role of this variant in disease. Therefore, it has been classified as a Variant of Uncertain Significance.